The following is an entry in ClinVar:

ClinVar aggregate classification (germline): Uncertain significance (1 of 4 stars; one submission).

Conditions:
Familial hypobetalipoproteinemia 1. Also called: Hypobetalipoproteinemia, normotriglyceridemic; Acanthocytosis with hypobetalipoproteinemia; APOB-Related Familial Hypobetalipoproteinemia. Identifiers: MedGen C4551990, MONDO:0014252, OMIM 615558.
Hypercholesterolemia, autosomal dominant, type B (FHCL2). Also called: Familial Hypercholesterolemia Type B; APOLIPOPROTEIN B-100, FAMILIAL DEFECTIVE; APOLIPOPROTEIN B-100, FAMILIAL LIGAND-DEFECTIVE; HYPERCHOLESTEROLEMIA, FAMILIAL, DUE TO LIGAND-DEFECTIVE APOLIPOPROTEIN B; APOB-Related Familial Hypercholesterolemia, Autosomal Dominant; Hyperlipoproteinemia Type IIb. Identifiers: MedGen C1704417, MONDO:0007751, OMIM 144010.

gnomAD v4.1: 1 of 1,613,968 alleles (0.000062%); highest among the groups gnomAD compares: Non-Finnish European, 0.000085%; no homozygotes.

Submission:

Labcorp Genetics (formerly Invitae), Labcorp
Classification: Uncertain significance for Familial hypobetalipoproteinemia 1; Hypercholesterolemia, autosomal dominant, type B. Last evaluated: 2025-07-27. Review status: criteria provided, single submitter. Criteria: Invitae Variant Classification Sherloc (09022015). Collection method: clinical testing. Allele origin: germline.
Comment: This sequence change replaces asparagine, which is neutral and polar, with isoleucine, which is neutral and non-polar, at codon 3652 of the APOB protein (p.Asn3652Ile). This variant is not present in population databases (gnomAD no frequency). This variant has not been reported in the literature in individuals affected with APOB-related conditions. Invitae Evidence Modeling of protein sequence and biophysical properties (such as structural, functional, and spatial information, amino acid conservation, physicochemical variation, residue mobility, and thermodynamic stability) has been performed for this missense variant. However, the output from this modeling did not meet the statistical confidence thresholds required to predict the impact of this variant on APOB protein function. In summary, the available evidence is currently insufficient to determine the role of this variant in disease. Therefore, it has been classified as a Variant of Uncertain Significance.

NM_000384.3(APOB):c.10955A>T (p.Asn3652Ile)

Gene: APOB (apolipoprotein B; minus strand). Cytogenetic location: 2p24.1.
Variant type: single nucleotide variant.
Coding change: c.10955A>T on transcript NM_000384.3 (MANE Select); coding-DNA position 10955, A replaced by T.
Protein change: p.Asn3652Ile; replaces asparagine 3652 with isoleucine.
Molecular consequence: missense variant.
Genome position (GRCh38, 1-based): chr2:21,005,913, T>A on the plus strand (A>T on the coding strand, the complement: APOB is on the minus strand). VCF-style: chr2-21005913-T-A. GRCh37 (hg19) VCF-style: chr2-21228785-T-A.
Other names: short protein forms N3652I.
Identifiers: ClinVar variation 4792926 (VCV004792926.1).